The following is an entry in ClinVar:

ClinVar aggregate classification (germline): Uncertain significance (1 of 4 stars; one submission).

gnomAD v4.1: 1 of 1,614,194 alleles (0.000062%); highest among the groups gnomAD compares: Admixed American, 0.0017%; no homozygotes.

Submission:

CeGaT Center for Human Genetics Tuebingen
Classification: Uncertain significance. Last evaluated: 2026-07-01. Review status: criteria provided, single submitter. Criteria: CeGaT Center For Human Genetics Tuebingen Variant Classification Criteria Version 2. Collection method: clinical testing. Allele origin: germline. Affected: yes. Observed: 1 variant allele.
Comment: COL4A1: PM2

NM_001845.6(COL4A1):c.2638G>C (p.Glu880Gln)

Gene: COL4A1 (collagen type IV alpha 1 chain; minus strand). Cytogenetic location: 13q34.
Variant type: single nucleotide variant.
Coding change: c.2638G>C on transcript NM_001845.6 (MANE Select); coding-DNA position 2638, G replaced by C.
Protein change: p.Glu880Gln; replaces glutamic acid 880 with glutamine.
Molecular consequence: missense variant.
Genome position (GRCh38, 1-based): chr13:110,177,920, C>G on the plus strand (G>C on the coding strand, the complement: COL4A1 is on the minus strand). VCF-style: chr13-110177920-C-G. GRCh37 (hg19) VCF-style: chr13-110830267-C-G.
Other names: short protein forms E880Q.
Identifiers: ClinVar variation 4875399 (VCV004875399.2).
Genomic context (GRCh38, chr13:110,177,920, plus strand): 5'-CAGGAGCACCCACTGGTCCTGGTGAGCCCGGCTGCCCGGGGGTCCCCATGACGCCCATTT[C>G]TCCCTTGGAACCTGTGGCCAAAGGAAAGGACTGTGAACATTTTCTTGCTCTGAATGCTGA-3'
Protein context (NP_001836.3, residues 870-890): GIPGFPGSKG[Glu880Gln]MGVMGTPGQP